The following is an entry in ClinVar:

NM_001010892.3(RSPH4A):c.1877C>G (p.Ser626Cys)

Gene: RSPH4A (radial spoke head component 4A; plus strand). Cytogenetic location: 6q22.1.
Variant type: single nucleotide variant.
Coding change: c.1877C>G on transcript NM_001010892.3 (MANE Select); coding-DNA position 1877, C replaced by G.
Protein change: p.Ser626Cys; replaces serine 626 with cysteine.
Molecular consequence: missense variant.
Genome position (GRCh38, 1-based): chr6:116,630,513, C>G. VCF-style: chr6-116630513-C-G. GRCh37 (hg19) VCF-style: chr6-116951676-C-G.
Other names: c.1741C>G, p.Pro581Ala (NM_001161664.2); short protein forms S626C, P581A.
Identifiers: ClinVar variation 1433496 (VCV001433496.5), dbSNP rs920198802, ClinGen allele CA145928192.
Genomic context (GRCh38, chr6:116,630,513, plus strand): 5'-CCTGGACAACACGGTTATCCTCAAATCTCATTCCACAATATGCTATTGCAGTCCTTCAAT[C>G]CAACCTTTGGCCTGGAGCATATGCCTTCTCCAATGGCAAGTAAGTATCTGACCACTTACA-3'
Protein context (NP_001010892.1, residues 616-636): IPQYAIAVLQ[Ser626Cys]NLWPGAYAFS

ClinVar aggregate classification (germline): Uncertain significance (1 of 4 stars; one submission).

Conditions:
Primary ciliary dyskinesia. Also called: Ciliary dyskinesia. Identifiers: Orphanet 244, MedGen C0008780, MONDO:0016575, HP:0012265.

Allele frequency attached by ClinVar (database versions not stated): gnomAD exomes below 0.00001; gnomAD 0.00002 and 0.00003; TOPMed 0.00002.

Submission:

Labcorp Genetics (formerly Invitae), Labcorp
Classification: Uncertain significance for Primary ciliary dyskinesia. Last evaluated: 2022-07-18. Review status: criteria provided, single submitter. Criteria: Invitae Variant Classification Sherloc (09022015). Collection method: clinical testing. Allele origin: germline.
Comment: This sequence change replaces serine, which is neutral and polar, with cysteine, which is neutral and slightly polar, at codon 626 of the RSPH4A protein (p.Ser626Cys). This variant is present in population databases (no rsID available, gnomAD 0.02%). This variant has not been reported in the literature in individuals affected with RSPH4A-related conditions. ClinVar contains an entry for this variant (Variation ID: 1433496). Algorithms developed to predict the effect of missense changes on protein structure and function are either unavailable or do not agree on the potential impact of this missense change (SIFT: "Deleterious"; PolyPhen-2: "Probably Damaging"; Align-GVGD: "Class C0"). In summary, the available evidence is currently insufficient to determine the role of this variant in disease. Therefore, it has been classified as a Variant of Uncertain Significance.